The following is an entry in ClinVar:

NM_006915.3(RP2):c.353G>T (p.Arg118Leu)

Gene: RP2 (RP2 activator of ARL3 GTPase; plus strand). Cytogenetic location: Xp11.3.
Variant type: single nucleotide variant.
Coding change: c.353G>T on transcript NM_006915.3 (MANE Select); coding-DNA position 353, G replaced by T.
Protein change: p.Arg118Leu; replaces arginine 118 with leucine.
Molecular consequence: missense variant.
Genome position (GRCh38, 1-based): chrX:46,853,726, G>T. VCF-style: chrX-46853726-G-T. GRCh37 (hg19) VCF-style: chrX-46713161-G-T.
Other names: short protein forms R118L.
Identifiers: ClinVar variation 10549 (VCV000010549.2), dbSNP rs28933687, ClinGen allele CA255304.

ClinVar aggregate classification (germline): Pathogenic. Review status: criteria provided, single submitter (1 of 4 stars). 2 submissions from 2 submitters: Pathogenic (1). 1 of the submissions does not count toward it. Last evaluated 2025-07-08.

Conditions:
Retinitis pigmentosa 2 (RP2). Also called: Retinitis pigmentosa 2, X linked. Identifiers: Orphanet 791, MedGen C2681923, MONDO:0010723, OMIM 312600.

Submissions (2):

Labcorp Genetics (formerly Invitae), Labcorp
Classification: Pathogenic. Last evaluated: 2025-07-08. Review status: criteria provided, single submitter. Criteria: Invitae Variant Classification Sherloc (09022015). Collection method: clinical testing. Allele origin: germline.
Comment: This sequence change replaces arginine, which is basic and polar, with leucine, which is neutral and non-polar, at codon 118 of the RP2 protein (p.Arg118Leu). This variant is not present in population databases (gnomAD no frequency). This missense change has been observed in individuals with clinical features of retinitis pigmentosa (PMID: 11462235, 33576794; internal data). ClinVar contains an entry for this variant (Variation ID: 10549). Invitae Evidence Modeling of protein sequence and biophysical properties (such as structural, functional, and spatial information, amino acid conservation, physicochemical variation, residue mobility, and thermodynamic stability) has been performed for this missense variant. However, the output from this modeling did not meet the statistical confidence thresholds required to predict the impact of this variant on RP2 protein function. Experimental studies have shown that this missense change affects RP2 function (PMID: 28209709). This variant disrupts the p.Arg118 amino acid residue in RP2. Other variant(s) that disrupt this residue have been determined to be pathogenic (PMID: 9697692, 10090907, 10520237, 12657579, 20021257). This suggests that this residue is clinically significant, and that variants that disrupt this residue are likely to be disease-causing. For these reasons, this variant has been classified as Pathogenic.

OMIM
Classification: Pathogenic for RETINITIS PIGMENTOSA 2. Last evaluated: 2001-08-01. Review status: no assertion criteria provided. Collection method: literature only. Allele origin: germline. Not counted in ClinVar's aggregate classification.

Literature cited by the submitters: PubMed 11462235 (cited by Labcorp Genetics (formerly Invitae), Labcorp and OMIM); PubMed 33576794 (cited by Labcorp Genetics (formerly Invitae), Labcorp); PubMed 28209709 (cited by Labcorp Genetics (formerly Invitae), Labcorp); PubMed 9697692 (cited by Labcorp Genetics (formerly Invitae), Labcorp and OMIM); PubMed 10090907 (cited by Labcorp Genetics (formerly Invitae), Labcorp); PubMed 10520237 (cited by Labcorp Genetics (formerly Invitae), Labcorp); PubMed 12657579 (cited by Labcorp Genetics (formerly Invitae), Labcorp); PubMed 20021257 (cited by Labcorp Genetics (formerly Invitae), Labcorp); PubMed 10937588 (cited by OMIM).